The following is an entry in ClinVar:

ClinVar aggregate classification (germline): Uncertain significance (1 of 4 stars; one submission).

Submission:

Labcorp Genetics (formerly Invitae), Labcorp
Classification: Uncertain significance. Last evaluated: 2025-05-27. Review status: criteria provided, single submitter. Criteria: Invitae Variant Classification Sherloc (09022015). Collection method: clinical testing. Allele origin: germline.
Comment: This sequence change replaces cysteine, which is neutral and slightly polar, with tyrosine, which is neutral and polar, at codon 1125 of the TRAPPC9 protein (p.Cys1125Tyr). This variant is not present in population databases (gnomAD no frequency). This variant has not been reported in the literature in individuals affected with TRAPPC9-related conditions. ClinVar contains an entry for this variant (Variation ID: 1926354). An algorithm developed to predict the effect of missense changes on protein structure and function (PolyPhen-2) suggests that this variant is likely to be disruptive. In summary, the available evidence is currently insufficient to determine the role of this variant in disease. Therefore, it has been classified as a Variant of Uncertain Significance.

NM_001160372.4(TRAPPC9):c.3080G>A (p.Cys1027Tyr)

Gene: TRAPPC9 (trafficking protein particle complex subunit 9; minus strand). Cytogenetic location: 8q24.3.
Variant type: single nucleotide variant.
Coding change: c.3080G>A on transcript NM_001160372.4 (MANE Select); coding-DNA position 3080, G replaced by A.
Protein change: p.Cys1027Tyr; replaces cysteine 1027 with tyrosine.
Molecular consequence: missense variant. On other transcripts: non-coding transcript variant (1).
Genome position (GRCh38, 1-based): chr8:139,732,178, C>T on the plus strand (G>A on the coding strand, the complement: TRAPPC9 is on the minus strand). VCF-style: chr8-139732178-C-T. GRCh37 (hg19) VCF-style: chr8-140744421-C-T.
Other names: c.3053G>A, p.Cys1018Tyr (NM_001321646.2); c.3101G>A, p.Cys1034Tyr (NM_001374682.1); c.2969G>A, p.Cys990Tyr (NM_001374683.1); c.2936G>A, p.Cys979Tyr (NM_001374684.1); c.3080G>A, p.Cys1027Tyr (NM_031466.8); short protein forms C990Y, C1027Y, C1034Y, C1018Y, C979Y.
Identifiers: ClinVar variation 1926354 (VCV001926354.5), dbSNP rs1391431231, ClinGen allele CA372733059.
Genomic context (GRCh38, chr8:139,732,178, plus strand): 5'-AGCCGCACCTCCAGGCGCACGGGGTCGCCCACCTGGCAGGCCGCCACAGCCTCGCGGTCA[C>T]ATGGCTGTCCGTCCACCAGCACATCTGTAAGGGACACGAGACTGTCGGGGGCTGGGCTGG-3'
Protein context (NP_001153844.1, residues 1017-1037): QWDVLVDGQP[Cys1027Tyr]DREAVAACQV